The following is an entry in ClinVar:

ClinVar aggregate classification (germline): Conflicting classifications of pathogenicity. Review status: criteria provided, conflicting classifications (1 of 4 stars). 2 submissions from 2 submitters: Uncertain significance (1); Likely benign (1). Last evaluated 2025-12-16.

Allele frequency attached by ClinVar (database versions not stated): ExAC 0.00003; gnomAD exomes 0.00004; ESP Exome Variant Server 0.00008; TOPMed 0.00008; gnomAD 0.00013 and 0.00014.
gnomAD v4.1: 50 of 1,604,532 alleles (0.0031%); highest among the groups gnomAD compares: Middle Eastern, 0.05%; 1 homozygote.

Submissions (2):

Labcorp Genetics (formerly Invitae), Labcorp
Classification: Uncertain significance. Last evaluated: 2025-12-16. Review status: criteria provided, single submitter. Criteria: Invitae Variant Classification Sherloc (09022015). Collection method: clinical testing. Allele origin: germline.
Comment: This sequence change affects codon 591 of the MYLK3 mRNA. It is a 'silent' change, meaning that it does not change the encoded amino acid sequence of the MYLK3 protein. It affects a nucleotide within the consensus splice site. This variant is present in population databases (rs200317443, gnomAD 0.05%), and has an allele count higher than expected for a pathogenic variant. This variant has not been reported in the literature in individuals affected with MYLK3-related conditions. ClinVar contains an entry for this variant (Variation ID: 1348986). Algorithms developed to predict the effect of sequence changes on RNA splicing suggest that this variant is not likely to affect RNA splicing. In summary, the available evidence is currently insufficient to determine the role of this variant in disease. Therefore, it has been classified as a Variant of Uncertain Significance.

Ambry Genetics
Classification: Likely benign. Last evaluated: 2025-03-07. Review status: criteria provided, single submitter. Criteria: Ambry Variant Classification Scheme 2023. Collection method: clinical testing. Allele origin: germline.

NM_182493.3(MYLK3):c.1773C>T (p.Tyr591=)

Gene: MYLK3 (myosin light chain kinase 3; minus strand). Cytogenetic location: 16q11.2.
Variant type: single nucleotide variant.
Coding change: c.1773C>T on transcript NM_182493.3 (MANE Select); coding-DNA position 1773, C replaced by T.
Protein change: p.Tyr591=; no amino-acid change (tyrosine 591 retained).
Molecular consequence: synonymous variant.
Genome position (GRCh38, 1-based): chr16:46,727,377, G>A on the plus strand (C>T on the coding strand, the complement: MYLK3 is on the minus strand). VCF-style: chr16-46727377-G-A. GRCh37 (hg19) VCF-style: chr16-46761289-G-A.
Other names: c.750C>T, p.Tyr250= (NM_001308301.1); c.1773C>T (NM_182493.2).
Identifiers: ClinVar variation 1348986 (VCV001348986.7), dbSNP rs200317443, ClinGen allele CA8037846.